The following is an entry in ClinVar:

NM_017565.4(FAM20A):c.1242T>C (p.Tyr414=)

Genes: FAM20A (FAM20A golgi associated secretory pathway pseudokinase; minus strand), PRKAR1A (protein kinase cAMP-dependent type I regulatory subunit alpha; plus strand). Cytogenetic location: 17q24.2.
Variant type: single nucleotide variant.
Coding change: c.1242T>C on transcript NM_017565.4 (MANE Select); coding-DNA position 1242, T replaced by C.
Protein change: p.Tyr414=; no amino-acid change (tyrosine 414 retained).
Molecular consequence: synonymous variant. On other transcripts: non-coding transcript variant (1), intron variant (1).
Genome position (GRCh38, 1-based): chr17:68,539,944, A>G on the plus strand (T>C on the coding strand, the complement: FAM20A is on the minus strand). VCF-style: chr17-68539944-A-G. GRCh37 (hg19) VCF-style: chr17-66536085-A-G.
Other names: c.828T>C, p.Tyr276= (NM_001243746.2); c.973+9943A>G (NM_001276290.1).
Identifiers: ClinVar variation 2722850 (VCV002722850.4), dbSNP rs200680124, ClinGen allele CA8729724.
Genomic context (GRCh38, chr17:68,539,944, plus strand): 5'-CCCTCTGGCGTTGTCAAGGTGAATAAGGAACCCATCATCCCCGAACTTGGTGAACATCTC[A>G]TAATGGTGCCGGTCCATATTCCCTGTGAAGGAGGGGAGGACTTAGCTGGAACCAGCAGGC-3'
Protein context (NP_060035.2, residues 404-424): FLIGNMDRHH[Tyr414=]EMFTKFGDDG

ClinVar aggregate classification (germline): Likely benign. Review status: criteria provided, multiple submitters, no conflicts (2 of 4 stars). 2 submissions from 2 submitters: Likely benign (2). Last evaluated 2026-07-22.

Conditions:
FAM20A-related disorder. Also called: FAM20A-related condition.

Allele frequency attached by ClinVar (database versions not stated): 1000 Genomes Project 0.00020; ExAC 0.00006; gnomAD exomes 0.00001; gnomAD 0.00003; TOPMed 0.00008.
gnomAD v4.1: 21 of 1,567,312 alleles (0.0013%); highest among the groups gnomAD compares: Admixed American, 0.034%; no homozygotes.

Submissions (2):

PreventionGenetics, part of Exact Sciences
Classification: Likely benign for FAM20A-related condition. Last evaluated: 2026-07-22. Review status: criteria provided, single submitter. Criteria: ACMG Guidelines, 2015. Collection method: clinical testing. Allele origin: germline.
Comment: This variant is classified as likely benign based on ACMG/AMP sequence variant interpretation guidelines (Richards et al. 2015 PMID: 25741868, with internal and published modifications).

Labcorp Genetics (formerly Invitae), Labcorp
Classification: Likely benign. Last evaluated: 2025-07-14. Review status: criteria provided, single submitter. Criteria: Invitae Variant Classification Sherloc (09022015). Collection method: clinical testing. Allele origin: germline.